The following is an entry in ClinVar:

ClinVar aggregate classification (germline): Uncertain significance (1 of 4 stars; one submission).

gnomAD v4.1: 2 of 1,614,174 alleles (0.00012%); highest among the groups gnomAD compares: South Asian, 0.0011%; no homozygotes.

Submission:

Labcorp Genetics (formerly Invitae), Labcorp
Classification: Uncertain significance. Last evaluated: 2025-12-16. Review status: criteria provided, single submitter. Criteria: Invitae Variant Classification Sherloc (09022015). Collection method: clinical testing. Allele origin: germline.
Comment: This sequence change replaces valine, which is neutral and non-polar, with methionine, which is neutral and non-polar, at codon 391 of the FLNB protein (p.Val391Met). This variant is present in population databases (no rsID available, gnomAD 0.003%). This variant has not been reported in the literature in individuals affected with FLNB-related conditions. Invitae Evidence Modeling of protein sequence and biophysical properties (such as structural, functional, and spatial information, amino acid conservation, physicochemical variation, residue mobility, and thermodynamic stability) indicates that this missense variant is not expected to disrupt FLNB protein function with a negative predictive value of 80%. In summary, the available evidence is currently insufficient to determine the role of this variant in disease. Therefore, it has been classified as a Variant of Uncertain Significance.

NM_001457.4(FLNB):c.1171G>A (p.Val391Met)

Gene: FLNB (filamin B; plus strand). Cytogenetic location: 3p14.3.
Variant type: single nucleotide variant.
Coding change: c.1171G>A on transcript NM_001457.4 (MANE Select); coding-DNA position 1171, G replaced by A.
Protein change: p.Val391Met; replaces valine 391 with methionine.
Molecular consequence: missense variant.
Genome position (GRCh38, 1-based): chr3:58,098,734, G>A. VCF-style: chr3-58098734-G-A. GRCh37 (hg19) VCF-style: chr3-58084461-G-A.
Other names: c.1171G>A, p.Val391Met (NM_001164317.2, NM_001164318.2, NM_001164319.2); short protein forms V391M.
Identifiers: ClinVar variation 4801683 (VCV004801683.1).